The following is an entry in ClinVar:

NM_001329943.3(KIAA0586):c.4162G>A (p.Val1388Ile)

Gene: KIAA0586 (KIAA0586; plus strand). Cytogenetic location: 14q23.1.
Variant type: single nucleotide variant.
Coding change: c.4162G>A on transcript NM_001329943.3 (MANE Select); coding-DNA position 4162, G replaced by A.
Protein change: p.Val1388Ile; replaces valine 1388 with isoleucine.
Molecular consequence: missense variant.
Genome position (GRCh38, 1-based): chr14:58,498,954, G>A. VCF-style: chr14-58498954-G-A. GRCh37 (hg19) VCF-style: chr14-58965672-G-A.
Other names: c.4321G>A, p.Val1441Ile (NM_001244189.2); c.4117G>A, p.Val1373Ile (NM_001244190.2); c.3907G>A, p.Val1303Ile (NM_001244191.2, NM_001329945.2, NM_001364700.1 and 1 more transcripts); c.4030G>A, p.Val1344Ile (NM_001244192.2, NM_001329947.2); c.3742G>A, p.Val1248Ile (NM_001244193.2); c.4162G>A, p.Val1388Ile (NM_001329944.2, NM_001329946.2); c.3934G>A, p.Val1312Ile (NM_014749.5); c.3934G>A (NM_014749.3); short protein forms V1312I, V1303I, V1388I, V1441I, V1248I, V1344I, V1373I.
Identifiers: ClinVar variation 1347420 (VCV001347420.7), dbSNP rs369067010, ClinGen allele CA7206332.
Genomic context (GRCh38, chr14:58,498,954, plus strand): 5'-AATACACAGTCTTTGGATCAACAATGTGATCCTAAACCATTATCTCGGCAATTTGACACA[G>A]TTTCAGGTAGACACCAAAATATTTTTTCTTGATGTGTCATAGTAGTATCCCTAATCTGAG-3'
Protein context (NP_001316872.1, residues 1378-1398): PKPLSRQFDT[Val1388Ile]SGSIYEDSCA

ClinVar aggregate classification (germline): Uncertain significance. Review status: criteria provided, multiple submitters, no conflicts (2 of 4 stars). 2 submissions from 2 submitters: Uncertain significance (2). Last evaluated 2026-01-25.

Conditions:
Short-rib thoracic dysplasia 14 with polydactyly (SRTD14). Identifiers: Orphanet 397715, MedGen C4225286, MONDO:0014688, OMIM 616546.
Joubert syndrome 23 (JBTS23). Identifiers: Orphanet 475, MedGen C4084822, MONDO:0014664, OMIM 616490.
Inborn genetic diseases. Identifiers: MedGen C0950123, MeSH D030342.

Allele frequency attached by ClinVar (database versions not stated): gnomAD 0.00008 and 0.00007; gnomAD exomes 0.00009 and 0.00011; TOPMed 0.00007; ESP Exome Variant Server 0.00017; ExAC 0.00021.
gnomAD v4.1: 134 of 1,594,106 alleles (0.0084%); highest among the groups gnomAD compares: Admixed American, 0.023%; 1 homozygote.

Submissions (2):

Labcorp Genetics (formerly Invitae), Labcorp
Classification: Uncertain significance for Joubert syndrome 23; Short-rib thoracic dysplasia 14 with polydactyly. Last evaluated: 2026-01-25. Review status: criteria provided, single submitter. Criteria: Invitae Variant Classification Sherloc (09022015). Collection method: clinical testing. Allele origin: germline.
Comment: This sequence change replaces valine, which is neutral and non-polar, with isoleucine, which is neutral and non-polar, at codon 1441 of the KIAA0586 protein (p.Val1441Ile). This variant is present in population databases (rs369067010, gnomAD 0.02%). This variant has not been reported in the literature in individuals affected with KIAA0586-related conditions. ClinVar contains an entry for this variant (Variation ID: 1347420). Invitae Evidence Modeling of protein sequence and biophysical properties (such as structural, functional, and spatial information, amino acid conservation, physicochemical variation, residue mobility, and thermodynamic stability) indicates that this missense variant is not expected to disrupt KIAA0586 protein function with a negative predictive value of 80%. In summary, the available evidence is currently insufficient to determine the role of this variant in disease. Therefore, it has been classified as a Variant of Uncertain Significance.

Ambry Genetics
Classification: Uncertain significance for Inborn genetic diseases. Last evaluated: 2021-08-16. Review status: criteria provided, single submitter. Criteria: Ambry Variant Classification Scheme 2023. Collection method: clinical testing. Allele origin: germline.